The following is an entry in ClinVar:

ClinVar aggregate classification (germline): Pathogenic (1 of 4 stars; one submission).

Conditions:
DYRK1A-related intellectual disability syndrome (MRD7). Also called: DYRK1A Syndrome; Intellectual developmental disorder, autosomal dominant 7. Identifiers: Orphanet 464306, MedGen C5568143, MONDO:0013578, OMIM 614104.

Submission:

Juno Genomics, Hangzhou Juno Genomics, Inc
Classification: Pathogenic for DYRK1A-related intellectual disability syndrome. Review status: criteria provided, single submitter. Criteria: ACMG Guidelines, 2015. Collection method: clinical testing. Allele origin: germline. Affected: yes.
Comment: Absent from controls (or at extremely low frequency if recessive) in Genome Aggregation Database.;Null variant in a gene where loss of function (LOF) is a known mechanism of disease.;Patient's phenotype or family history is highly specific for a disease with a single genetic etiology.

NM_001347721.2(DYRK1A):c.154C>T (p.Gln52Ter)

Gene: DYRK1A (dual specificity tyrosine phosphorylation regulated kinase 1A; plus strand). Cytogenetic location: 21q22.13.
Variant type: single nucleotide variant.
Coding change: c.154C>T on transcript NM_001347721.2 (MANE Select); coding-DNA position 154, C replaced by T.
Protein change: p.Gln52Ter; replaces glutamine 52 with a stop codon.
Molecular consequence: nonsense.
Genome position (GRCh38, 1-based): chr21:37,472,827, C>T. VCF-style: chr21-37472827-C-T. GRCh37 (hg19) VCF-style: chr21-38845129-C-T.
Other names: c.154C>T, p.Gln52Ter (NM_001347722.2, NM_001396.5, NM_101395.2 and 2 more transcripts); c.67C>T, p.Gln23Ter (NM_001347723.2); short protein forms Q23*, Q52*.
Identifiers: ClinVar variation 5019823 (VCV005019823.1).